The following is an entry in ClinVar:

ClinVar aggregate classification (germline): Pathogenic (1 of 4 stars; one submission).

Conditions:
Familial cancer of breast. Also called: BREAST CANCER, FAMILIAL; Hereditary breast cancer; hereditary breast carcinoma. Identifiers: Orphanet 227535, MedGen C0346153, MONDO:0016419, OMIM 114480. Disease mechanism: loss of function.

Submission:

Myriad Genetics, Inc.
Classification: Pathogenic for Familial cancer of breast. Last evaluated: 2024-02-22. Review status: criteria provided, single submitter. Criteria: Myriad Autosomal Dominant, Autosomal Recessive and X-Linked Classification Criteria (2023). Collection method: clinical testing. Allele origin: unknown.
Comment: This variant is considered pathogenic. This variant creates a frameshift predicted to result in premature protein truncation.

NM_032043.3(BRIP1):c.1551_1552delinsAACAGGTAC (p.Val518fs)

Gene: BRIP1 (BRCA1 interacting DNA helicase 1; minus strand). Cytogenetic location: 17q23.2.
Variant type: Indel.
Coding change: c.1551_1552delinsAACAGGTAC on transcript NM_032043.3 (MANE Select); coding-DNA positions 1551 to 1552, TG replaced by AACAGGTAC.
Protein change: p.Val518fs; shifts the reading frame from valine 518.
Molecular consequence: frameshift variant.
Genome position (GRCh38, 1-based): chr17:61,784,346-61,784,347, CA replaced by GTACCTGTT on the plus strand (TG replaced by AACAGGTAC on the coding strand, the reverse complement: BRIP1 is on the minus strand). VCF-style: chr17-61784346-CA-GTACCTGTT. GRCh37 (hg19) VCF-style: chr17-59861707-CA-GTACCTGTT.
Other names: short protein forms V518fs.
Identifiers: ClinVar variation 3148708 (VCV003148708.1), dbSNP rs2545053753, ClinGen allele CA2825002577.